The following is an entry in ClinVar:

ClinVar aggregate classification (germline): Pathogenic (1 of 4 stars; one submission).

Conditions:
Cardiovascular phenotype. Identifiers: MedGen CN230736.

Submission:

Ambry Genetics
Classification: Pathogenic for Cardiovascular phenotype. Last evaluated: 2022-06-14. Review status: criteria provided, single submitter. Criteria: Ambry Variant Classification Scheme 2023. Collection method: clinical testing. Allele origin: germline.
Comment: The c.206delC pathogenic mutation, located in coding exon 1 of the TECRL gene, results from a deletion of one nucleotide at nucleotide position 206, causing a translational frameshift with a predicted alternate stop codon (p.T69Kfs*11). This variant is considered to be rare based on population cohorts in the Genome Aggregation Database (gnomAD). In addition, this alteration is expected to result in loss of function by premature protein truncation or nonsense-mediated mRNA decay. As such, this alteration is interpreted as a disease-causing mutation.

NM_001010874.5(TECRL):c.206del (p.Thr69fs)

Gene: TECRL (trans-2,3-enoyl-CoA reductase like; minus strand). Cytogenetic location: 4q13.1.
Variant type: Deletion.
Coding change: c.206del on transcript NM_001010874.5 (MANE Select); coding-DNA position 206, one base deleted (C; older notation c.206delC).
Protein change: p.Thr69fs; shifts the reading frame from threonine 69.
Molecular consequence: frameshift variant.
Genome position (GRCh38, 1-based): chr4:64,409,146, G deleted on the plus strand (C on the coding strand, the reverse complement: TECRL is on the minus strand). VCF-style (leftmost placement, unchanged base first): chr4-64409145-TG-T. GRCh37 (hg19) VCF-style: chr4-65274863-TG-T.
Other names: c.206del, p.Thr69fs (NM_001363796.1); short protein forms T69fs.
Identifiers: ClinVar variation 1785354 (VCV001785354.2), dbSNP rs2475860796, ClinGen allele CA2580071787.